The following is an entry in ClinVar:

NM_000540.3(RYR1):c.8817-7C>A

Gene: RYR1 (ryanodine receptor 1; plus strand). Cytogenetic location: 19q13.2.
Variant type: single nucleotide variant.
Coding change: c.8817-7C>A on transcript NM_000540.3 (MANE Select); 7 bases into the intron before coding-DNA position 8817, C replaced by A.
Molecular consequence: intron variant.
Genome position (GRCh38, 1-based): chr19:38,507,705, C>A. VCF-style: chr19-38507705-C-A. GRCh37 (hg19) VCF-style: chr19-38998345-C-A.
Other names: c.8817-7C>A (NM_001042723.2).
Identifiers: ClinVar variation 1402130 (VCV001402130.10), dbSNP rs748541593, ClinGen allele CA072816.
Genomic context (GRCh38, chr19:38,507,705, plus strand): 5'-CCTGAGAAGGGTGGGAAACTGTAGGGCCGGCGTCTGGGCTGATCCTTCTCTCCACATCTC[C>A]ATGCAGAGGCCTTAAGGACATGGAACTGGACTCGTCTTCCATTGAAAAGCGGTTTGCCTT-3'

ClinVar aggregate classification (germline): Likely benign. Review status: criteria provided, multiple submitters, no conflicts (2 of 4 stars). 3 submissions from 3 submitters: Likely benign (3). Last evaluated 2024-06-11.

Conditions:
Malignant hyperthermia, susceptibility to, 1 (MHS1). Also called: Anesthesia related hyperthermia; Malignant hyperpyrexia; Fulminating hyperpyrexia; Pharmacogenic myopathy; Malignant hyperthermia suceptibility 1; RYR1-Related Malignant Hyperthermia Susceptibility. Identifiers: Orphanet 423, MedGen C2930980, MONDO:0007783, OMIM 145600.
RYR1-related disorder. Also called: RYR1-related disorders; RYR1-related condition. Identifiers: MedGen CN239331.

Allele frequency attached by ClinVar (database versions not stated): gnomAD 0.00002; TOPMed 0.00002.
gnomAD v4.1: 9 of 1,577,566 alleles (0.00057%); highest among the groups gnomAD compares: Non-Finnish European, 0.00078%; no homozygotes.

Submissions (3):

All of Us Research Program, National Institutes of Health
Classification: Likely benign for Malignant hyperthermia, susceptibility to, 1. Last evaluated: 2024-06-11. Review status: criteria provided, single submitter. Criteria: ACMG Guidelines, 2015. Collection method: clinical testing. Allele origin: germline. Inheritance: Autosomal dominant inheritance. Observed: 2 variant alleles, 2 heterozygotes.
Comment: This study involves interpretation of variants in research participants for the purpose of population health screening. Participant phenotype was not available at the time of variant classification. Additional details can be found in publication PMID: 35346344, PMCID: PMC8962531

Color Diagnostics, LLC DBA Color Health
Classification: Likely benign for Malignant hyperthermia, susceptibility to, 1. Last evaluated: 2024-01-29. Review status: criteria provided, single submitter. Criteria: ACMG Guidelines, 2015. Collection method: clinical testing. Allele origin: germline.

Labcorp Genetics (formerly Invitae), Labcorp
Classification: Likely benign for RYR1-related disorder. Last evaluated: 2023-08-16. Review status: criteria provided, single submitter. Criteria: Invitae Variant Classification Sherloc (09022015). Collection method: clinical testing. Allele origin: germline.